The following is an entry in ClinVar:

ClinVar aggregate classification (germline): Likely benign (1 of 4 stars; one submission).

Allele frequency attached by ClinVar (database versions not stated): ExAC 0.00001; gnomAD exomes 0.00001; TOPMed 0.00004.

Submission:

CeGaT Center for Human Genetics Tuebingen
Classification: Likely benign. Last evaluated: 2022-10-01. Review status: criteria provided, single submitter. Criteria: CeGaT Center For Human Genetics Tuebingen Variant Classification Criteria Version 2. Collection method: clinical testing. Allele origin: germline. Affected: yes. Observed: 1 variant allele.
Comment: ZNF286A: BP4, BP7

NM_001130842.2(ZNF286A):c.1521A>G (p.Ser507=)

Genes: ZNF286A (zinc finger protein 286A; plus strand), ZNF286A-TBC1D26 (ZNF286A-TBC1D26 readthrough (NMD candidate); plus strand). Cytogenetic location: 17p12.
Variant type: single nucleotide variant.
Coding change: c.1521A>G on transcript NM_001130842.2 (MANE Select); coding-DNA position 1521, A replaced by G.
Protein change: p.Ser507=; no amino-acid change (serine 507 retained).
Molecular consequence: synonymous variant. On other transcripts: non-coding transcript variant (1).
Genome position (GRCh38, 1-based): chr17:15,717,245, A>G. VCF-style: chr17-15717245-A-G. GRCh37 (hg19) VCF-style: chr17-15620559-A-G.
Other names: c.1491A>G, p.Ser497= (NM_001288643.2); c.1185A>G, p.Ser395= (NM_001288644.2, NM_001288645.2, NM_001288646.2 and 6 more transcripts); c.1368A>G, p.Ser456= (NM_001369440.1); c.1521A>G, p.Ser507= (NM_020652.3); c.1650A>G, p.Ser550= (NM_001288642.2).
Identifiers: ClinVar variation 2647500 (VCV002647500.24), dbSNP rs776263895, ClinGen allele CA8406135.